The following is an entry in ClinVar:

ClinVar aggregate classification (germline): Conflicting classifications of pathogenicity. Review status: criteria provided, conflicting classifications (1 of 4 stars). 5 submissions from 5 submitters: Uncertain significance (4); Likely benign (1). Last evaluated 2026-01-19.

Conditions:
Cardiovascular phenotype. Identifiers: MedGen CN230736.

Allele frequency attached by ClinVar (database versions not stated): TOPMed 0.00005.
gnomAD v4.1: 146 of 1,540,162 alleles (0.0095%); highest among the groups gnomAD compares: East Asian, 0.017%; no homozygotes.

Submissions (5):

Women's Health and Genetics/Laboratory Corporation of America, LabCorp
Classification: Uncertain significance. Last evaluated: 2026-01-19. Review status: criteria provided, single submitter. Criteria: LabCorp Variant Classification Summary - May 2015. Collection method: clinical testing. Allele origin: germline.
Comment: Variant summary: ZNF469 c.10079G>T (p.Ser3360Ile) results in a non-conservative amino acid change in the encoded protein sequence. Algorithms developed to predict the effect of missense changes on protein structure and function are either unavailable or do not agree on the potential impact of this missense change. The variant allele was found at a frequency of 7.2e-05 in 138110 control chromosomes. This frequency is not significantly higher than estimated for disease-causing variants in ZNF469, allowing no conclusion about variant significance. To our knowledge, no occurrence of c.10079G>T in individuals affected with ZNF469-related conditions and no experimental evidence demonstrating its impact on protein function have been reported. ClinVar contains an entry for this variant (Variation ID: 424174). Based on the evidence outlined above, the variant was classified as uncertain significance.

Mayo Clinic Laboratories, Mayo Clinic
Classification: Uncertain significance. Last evaluated: 2024-06-05. Review status: criteria provided, single submitter. Criteria: ACMG Guidelines, 2015. Collection method: clinical testing. Allele origin: germline. Observed: 1 variant allele.
Comment: BP4

Ambry Genetics
Classification: Likely benign for Cardiovascular phenotype. Last evaluated: 2023-04-18. Review status: criteria provided, single submitter. Criteria: Ambry Variant Classification Scheme 2023. Collection method: clinical testing. Allele origin: germline.

GeneDx
Classification: Uncertain significance. Last evaluated: 2022-10-12. Review status: criteria provided, single submitter. Criteria: GeneDx Variant Classification Process June 2021. Collection method: clinical testing. Allele origin: germline. Affected: yes.
Comment: In silico analysis supports that this missense variant has a deleterious effect on protein structure/function; Has not been previously published as pathogenic or benign to our knowledge

Labcorp Genetics (formerly Invitae), Labcorp
Classification: Uncertain significance. Last evaluated: 2021-09-24. Review status: criteria provided, single submitter. Criteria: Invitae Variant Classification Sherloc (09022015). Collection method: clinical testing. Allele origin: germline.
Comment: This sequence change replaces serine with isoleucine at codon 3332 of the ZNF469 protein (p.Ser3332Ile). The serine residue is moderately conserved and there is a large physicochemical difference between serine and isoleucine. The frequency data for this variant in the population databases is considered unreliable, as metrics indicate insufficient coverage at this position in the ExAC database. This variant has not been reported in the literature in individuals with ZNF469-related conditions. Algorithms developed to predict the effect of missense changes on protein structure and function are either unavailable or do not agree on the potential impact of this missense change (SIFT: "Deleterious"; PolyPhen-2: "Probably Damaging"; Align-GVGD: "Class C0"). In summary, the available evidence is currently insufficient to determine the role of this variant in disease. Therefore, it has been classified as a Variant of Uncertain Significance.

NM_001367624.2(ZNF469):c.10079G>T (p.Ser3360Ile)

Genes: ZNF469 (zinc finger protein 469; plus strand), LOC130059719 (ATAC-STARR-seq lymphoblastoid silent region 7848; plus strand). Cytogenetic location: 16q24.2.
Variant type: single nucleotide variant.
Coding change: c.10079G>T on transcript NM_001367624.2 (MANE Select); coding-DNA position 10079, G replaced by T.
Protein change: p.Ser3360Ile; replaces serine 3360 with isoleucine.
Molecular consequence: missense variant.
Genome position (GRCh38, 1-based): chr16:88,437,549, G>T. VCF-style: chr16-88437549-G-T. GRCh37 (hg19) VCF-style: chr16-88503957-G-T.
Other names: NM_001127464.1:c.9995G>T; p.Ser3360Ile; short protein forms S3360I.
Identifiers: ClinVar variation 424174 (VCV000424174.14), dbSNP rs929128705, ClinGen allele CA16620288.